The following is an entry in ClinVar:

NM_001122955.4(BSCL2):c.124C>T (p.Arg42Cys)

Genes: BSCL2 (BSCL2 lipid droplet biogenesis associated, seipin; minus strand), HNRNPUL2-BSCL2 (HNRNPUL2-BSCL2 readthrough (NMD candidate); minus strand). Cytogenetic location: 11q12.3.
Variant type: single nucleotide variant.
Coding change: c.124C>T on transcript NM_001122955.4 (MANE Select); coding-DNA position 124, C replaced by T.
Protein change: p.Arg42Cys; replaces arginine 42 with cysteine.
Molecular consequence: missense variant. On other transcripts: non-coding transcript variant (1), 5 prime UTR variant (2).
Genome position (GRCh38, 1-based): chr11:62,705,581, G>A on the plus strand (C>T on the coding strand, the complement: BSCL2 is on the minus strand). VCF-style: chr11-62705581-G-A. GRCh37 (hg19) VCF-style: chr11-62473053-G-A.
Other names: c.-69C>T (NM_001130702.2, NM_032667.6); c.124C>T, p.Arg42Cys (NM_001386027.1, NM_001386028.1); short protein forms R42C.
Identifiers: ClinVar variation 305185 (VCV000305185.52), dbSNP rs201493373, ClinGen allele CA6053655.

ClinVar aggregate classification (germline): Conflicting classifications of pathogenicity. Review status: criteria provided, conflicting classifications (1 of 4 stars). 8 submissions from 7 submitters: Uncertain significance (1); Likely benign (5). 2 of the submissions do not count toward it. Last evaluated 2026-06-01.

Conditions:
Neuronopathy, distal hereditary motor, type 5A (HMND5). Also called: DHMN VA; Distal Spinal Muscular Atrophy V (dSMA-V); NEURONOPATHY, DISTAL HEREDITARY MOTOR, AUTOSOMAL DOMINANT 5; Distal Spinal Muscular Atrophy V. Identifiers: Orphanet 139536, MedGen CN031873, MONDO:0015353, OMIM 600794.
Congenital generalized lipodystrophy type 2 (CGL2). Also called: SEIP SYNDROME; BERARDINELLI SYNDROME; BRUNZELL SYNDROME, BSCL2-RELATED; Berardinelli-Seip Congenital Lipodystrophy Type 2. Identifiers: Orphanet 528, Orphanet 696289, MedGen C1720863, MONDO:0010020, OMIM 269700.
BSCL2-related disorder. Also called: BSCL2-Related Disorders; BSCL2-related condition.

Allele frequency attached by ClinVar (database versions not stated): gnomAD 0.00055 and 0.00061; TOPMed 0.00056; gnomAD exomes 0.00060 and 0.00089; ESP Exome Variant Server 0.00066; ExAC 0.00125.
gnomAD v4.1: 1,319 of 1,566,712 alleles (0.084%); highest among the groups gnomAD compares: Non-Finnish European, 0.11%; 1 homozygote.

Submissions (8):

CeGaT Center for Human Genetics Tuebingen
Classification: Likely benign. Last evaluated: 2026-06-01. Review status: criteria provided, single submitter. Criteria: CeGaT Center For Human Genetics Tuebingen Variant Classification Criteria Version 2. Collection method: clinical testing. Allele origin: germline. Affected: yes. Observed: 6 variant alleles.
Comment: BSCL2: BS2

PreventionGenetics, part of Exact Sciences
Classification: Likely benign for BSCL2-related condition. Last evaluated: 2025-03-19. Review status: criteria provided, single submitter. Criteria: ACMG Guidelines, 2015. Collection method: clinical testing. Allele origin: germline.
Comment: This variant is classified as likely benign based on ACMG/AMP sequence variant interpretation guidelines (Richards et al. 2015 PMID: 25741868, with internal and published modifications).

Illumina Laboratory Services, Illumina
Classification: Uncertain significance for Congenital generalized lipodystrophy type 2. Last evaluated: 2018-01-12. Review status: criteria provided, single submitter. Criteria: ICSL Variant Classification Criteria 13 December 2019. Collection method: clinical testing. Allele origin: germline.

Illumina Laboratory Services, Illumina
Classification: Likely benign for Neuronopathy, distal hereditary motor, type 5A. Last evaluated: 2018-01-12. Review status: criteria provided, single submitter. Criteria: ICSL Variant Classification Criteria 13 December 2019. Collection method: clinical testing. Allele origin: germline.
Comment: This variant was observed in the ICSL laboratory as part of a predisposition screen in an ostensibly healthy population. It had not been previously curated by ICSL or reported in the Human Gene Mutation Database (HGMD: prior to June 1st, 2018), and was therefore a candidate for classification through an automated scoring system. Utilizing variant allele frequency, disease prevalence and penetrance estimates, and inheritance mode, an automated score was calculated to assess if this variant is too frequent to cause the disease. Based on the score and internal cut-off values, a variant classified as likely benign is not then subjected to further curation. The score for this variant resulted in a classification of likely benign for this disease.

Athena Diagnostics
Classification: Likely benign. Last evaluated: 2017-10-24. Review status: criteria provided, single submitter. Criteria: Athena Diagnostics Criteria. Collection method: clinical testing. Allele origin: germline.

GeneDx
Classification: Likely benign. Last evaluated: 2017-10-17. Review status: criteria provided, single submitter. Criteria: GeneDx Variant Classification (06012015). Collection method: clinical testing. Allele origin: germline. Affected: yes.
Comment: This variant is considered likely benign or benign based on one or more of the following criteria: it is a conservative change, it occurs at a poorly conserved position in the protein, it is predicted to be benign by multiple in silico algorithms, and/or has population frequency not consistent with disease.

Clinical Genetics, Academic Medical Center
Classification: Likely benign. Review status: no assertion criteria provided. Collection method: clinical testing. Allele origin: germline. Affected: yes. Study: VKGL Data-share Consensus. Not counted in ClinVar's aggregate classification.

Genome Diagnostics Laboratory, University Medical Center Utrecht
Classification: Likely benign. Review status: no assertion criteria provided. Collection method: clinical testing. Allele origin: germline. Affected: yes. Study: VKGL Data-share Consensus. Not counted in ClinVar's aggregate classification.